The following is an entry in ClinVar:

NM_014946.4(SPAST):c.1453G>A (p.Ala485Thr)

Gene: SPAST (spastin; plus strand). Cytogenetic location: 2p22.3.
Variant type: single nucleotide variant.
Coding change: c.1453G>A on transcript NM_014946.4 (MANE Select); coding-DNA position 1453, G replaced by A.
Protein change: p.Ala485Thr; replaces alanine 485 with threonine.
Molecular consequence: missense variant.
Genome position (GRCh38, 1-based): chr2:32,137,148, G>A. VCF-style: chr2-32137148-G-A. GRCh37 (hg19) VCF-style: chr2-32362217-G-A.
Other names: c.1450G>A, p.Ala484Thr (NM_001363823.2); c.1354G>A, p.Ala452Thr (NM_001363875.2); c.1357G>A, p.Ala453Thr (NM_001377959.1, NM_199436.2); short protein forms A452T, A453T, A484T, A485T.
Identifiers: ClinVar variation 4850801 (VCV004850801.1).
Genomic context (GRCh38, chr2:32,137,148, plus strand): 5'-AAAAAGATTTTTTGCTTGTAGGTACAGTCTGCTGGAGATGACAGAGTACTTGTAATGGGT[G>A]CAACTAATAGGCCACAAGAGCTTGATGAGGCTGTTCTCAGGTAGGGAGATTTATATGGAA-3'
Protein context (NP_055761.2, residues 475-495): AGDDRVLVMG[Ala485Thr]TNRPQELDEA

ClinVar aggregate classification (germline): Likely pathogenic (1 of 4 stars; one submission).

Conditions:
Hereditary spastic paraplegia 4. Also called: Spastic paraplegia 4, autosomal dominant; Familial spastic paraplegia autosomal dominant 2; Spastic Paraplegia 4. Identifiers: Orphanet 100985, MedGen C1866855, MONDO:0008438, OMIM 182601.

Submission:

Variantyx, Inc.
Classification: Likely pathogenic for Hereditary spastic paraplegia 4. Last evaluated: 2025-05-07. Review status: criteria provided, single submitter. Criteria: Variantyx Assertion Criteria 2022. Collection method: clinical testing. Allele origin: germline. Inheritance: Autosomal dominant inheritance. Affected: yes.
Comment: This is a nonsynonymous variant in the SPAST gene (OMIM: 604277). Pathogenic variants in this gene have been associated with autosomal dominant spastic paraplegia 4. This variant has been reported in at least one affected individual (PMID: 28572275) (PS4). The variant lies within a known hotspot for pathogenic variants or a well-established critical functional domain of the SPAST protein (PMID:28572275) (PM1), and multiple computational algorithms predict a deleterious effect for this variant (REVEL score: 0.837) (PP3). This variant is absent from control populations (PM2). Based on the current evidence, this variant is classified as likely pathogenic for autosomal dominant spastic paraplegia 4. Inheritance from an unaffected or mildly affected parent has been reported in the SPAST gene, consistent with incomplete penetrance and/or variable expressivity (PMID: 20301339).

Literature cited by the submitters: PubMed 28572275.